The following is an entry in ClinVar:

NM_002878.4(RAD51D):c.215A>G (p.Tyr72Cys)

Genes: RAD51L3-RFFL (RAD51L3-RFFL readthrough; minus strand), RAD51D (RAD51 paralog D; minus strand). Cytogenetic location: 17q12.
Variant type: single nucleotide variant.
Coding change: c.215A>G on transcript NM_002878.4 (MANE Select); coding-DNA position 215, A replaced by G.
Protein change: p.Tyr72Cys; replaces tyrosine 72 with cysteine.
Molecular consequence: missense variant. On other transcripts: intron variant (2).
Genome position (GRCh38, 1-based): chr17:35,118,549, T>C on the plus strand (A>G on the coding strand, the complement: RAD51D is on the minus strand). VCF-style: chr17-35118549-T-C. GRCh37 (hg19) VCF-style: chr17-33445568-T-C.
Other names: c.144+562A>G (NM_133629.3, NM_001142571.2); short protein forms Y72C.
Identifiers: ClinVar variation 1444429 (VCV001444429.8), dbSNP rs2142474078, ClinGen allele CA399091301.
Genomic context (GRCh38, chr17:35,118,549, plus strand): 5'-ACACACACAAACCTGCCAATGCCAGTGGACAGGATGGCAGTGGAGGTCTTCAGTTCCTCG[T>C]AGAGATCAGCGCCATTCACGGGGAAAGCCGAGAACTGAGCCAGCAGCACCCGCCTCAGGG-3'
Protein context (NP_002869.3, residues 62-82): SAFPVNGADL[Tyr72Cys]EELKTSTAIL

ClinVar aggregate classification (germline): Uncertain significance (1 of 4 stars; one submission).

Conditions:
Breast-ovarian cancer, familial, susceptibility to, 4. Identifiers: Orphanet 145, MedGen C3280345, MONDO:0013669, OMIM 614291.

Submission:

Labcorp Genetics (formerly Invitae), Labcorp
Classification: Uncertain significance for Breast-ovarian cancer, familial, susceptibility to, 4. Last evaluated: 2025-11-26. Review status: criteria provided, single submitter. Criteria: Invitae Variant Classification Sherloc (09022015). Collection method: clinical testing. Allele origin: germline.
Comment: This sequence change replaces tyrosine, which is neutral and polar, with cysteine, which is neutral and slightly polar, at codon 72 of the RAD51D protein (p.Tyr72Cys). This variant is not present in population databases (gnomAD no frequency). This variant has not been reported in the literature in individuals affected with RAD51D-related conditions. ClinVar contains an entry for this variant (Variation ID: 1444429). Invitae Evidence Modeling of protein sequence and biophysical properties (such as structural, functional, and spatial information, amino acid conservation, physicochemical variation, residue mobility, and thermodynamic stability) indicates that this missense variant is expected to disrupt RAD51D protein function with a positive predictive value of 80%. In summary, the available evidence is currently insufficient to determine the role of this variant in disease. Therefore, it has been classified as a Variant of Uncertain Significance.